The following is an entry in ClinVar:

NM_000135.4(FANCA):c.3627-1G>A

Gene: FANCA (FA complementation group A; minus strand). Cytogenetic location: 16q24.3.
Variant type: single nucleotide variant.
Coding change: c.3627-1G>A on transcript NM_000135.4 (MANE Select); the canonical splice acceptor site of the intron before coding-DNA position 3627, G replaced by A.
Molecular consequence: splice acceptor variant.
Genome position (GRCh38, 1-based): chr16:89,742,939, C>T on the plus strand (G>A on the coding strand, the complement: FANCA is on the minus strand). VCF-style: chr16-89742939-C-T. GRCh37 (hg19) VCF-style: chr16-89809347-C-T.
Other names: c.3627-1G>A (NM_001286167.3).
Identifiers: ClinVar variation 974163 (VCV000974163.3), dbSNP rs2062172440, ClinGen allele CA397485556.

ClinVar aggregate classification (germline): Pathogenic/Likely pathogenic. Review status: criteria provided, multiple submitters, no conflicts (2 of 4 stars). 3 submissions from 3 submitters: Pathogenic (1); Likely pathogenic (1). 1 of the submissions does not count toward it. Last evaluated 2024-02-23.

Conditions:
Fanconi anemia complementation group A (FANCA). Also called: Fanconi anemia, group A; FANCA-Related Fanconi Anemia. Identifiers: Orphanet 84, MedGen C3469521, MONDO:0009215, OMIM 227650.

Submissions (3):

Fulgent Genetics
Classification: Likely pathogenic for Fanconi anemia complementation group A. Last evaluated: 2024-02-23. Review status: criteria provided, single submitter. Criteria: ACMG Guidelines, 2015. Collection method: clinical testing. Allele origin: germline.

Baylor Genetics
Classification: Pathogenic for Fanconi anemia complementation group A. Last evaluated: 2023-04-11. Review status: criteria provided, single submitter. Criteria: ACMG Guidelines, 2015. Collection method: clinical testing. Allele origin: unknown.

Leiden Open Variation Database
Classification: Uncertain significance for Fanconi anemia complementation group A. Last evaluated: 2020-02-28. Review status: no assertion criteria provided. Collection method: curation. Allele origin: germline. Affected: yes. Not counted in ClinVar's aggregate classification.
Comment: Curator: Arleen D. Auerbach. Submitter to LOVD: Arleen D. Auerbach.

Literature cited by the submitters: PubMed 22950077 (cited by Leiden Open Variation Database).